The following is an entry in ClinVar:

NM_000288.4(PEX7):c.346A>G (p.Ser116Gly)

Gene: PEX7 (peroxisomal biogenesis factor 7; plus strand). Cytogenetic location: 6q23.3.
Variant type: single nucleotide variant.
Coding change: c.346A>G on transcript NM_000288.4 (MANE Select); coding-DNA position 346, A replaced by G.
Protein change: p.Ser116Gly; replaces serine 116 with glycine.
Molecular consequence: missense variant.
Genome position (GRCh38, 1-based): chr6:136,845,621, A>G. VCF-style: chr6-136845621-A-G. GRCh37 (hg19) VCF-style: chr6-137166759-A-G.
Other names: c.346A>G (NM_000288.3); c.232A>G, p.Ser78Gly (NM_001410945.1); short protein forms S116G, S78G.
Identifiers: ClinVar variation 2172330 (VCV002172330.4), dbSNP rs913951873, ClinGen allele CA148643330.

ClinVar aggregate classification (germline): Uncertain significance. Review status: criteria provided, single submitter (1 of 4 stars). 2 submissions from 2 submitters: Uncertain significance (1). 1 of the submissions does not count toward it. Last evaluated 2024-05-25.

Conditions:
PEX7-related disorder. Also called: PEX7-related condition; PEX7-related disorders. Identifiers: MedGen CN239409.
Peroxisome biogenesis disorder 9B. Also called: PEROXISOME BIOGENESIS DISORDER, PEX7-RELATED, ATYPICAL; PEX7-Related Refsum Disease; Refsum disease, adult, 2. Identifiers: Orphanet 773, MedGen C2749346, MONDO:0013945, OMIM 614879.

Allele frequency attached by ClinVar (database versions not stated): gnomAD exomes below 0.00001; gnomAD 0.00003; TOPMed 0.00003.
gnomAD v4.1: 9 of 1,595,584 alleles (0.00056%); highest among the groups gnomAD compares: African/African-American, 0.0094%; no homozygotes.

Submissions (2):

Labcorp Genetics (formerly Invitae), Labcorp
Classification: Uncertain significance for Peroxisome biogenesis disorder 9B. Last evaluated: 2024-05-25. Review status: criteria provided, single submitter. Criteria: Invitae Variant Classification Sherloc (09022015). Collection method: clinical testing. Allele origin: germline.
Comment: This sequence change replaces serine, which is neutral and polar, with glycine, which is neutral and non-polar, at codon 116 of the PEX7 protein (p.Ser116Gly). This variant is present in population databases (no rsID available, gnomAD 0.01%). This variant has not been reported in the literature in individuals affected with PEX7-related conditions. ClinVar contains an entry for this variant (Variation ID: 2172330). An algorithm developed to predict the effect of missense changes on protein structure and function (PolyPhen-2) suggests that this variant is likely to be tolerated. In summary, the available evidence is currently insufficient to determine the role of this variant in disease. Therefore, it has been classified as a Variant of Uncertain Significance.

PreventionGenetics, part of Exact Sciences
Classification: Uncertain significance for PEX7-related condition. Last evaluated: 2024-04-24. Review status: no assertion criteria provided. Collection method: clinical testing. Allele origin: germline. Not counted in ClinVar's aggregate classification.
Comment: The PEX7 c.346A>G variant is predicted to result in the amino acid substitution p.Ser116Gly. To our knowledge, this variant has not been reported in the literature. This variant is reported in 0.011% of alleles in individuals of African descent in gnomAD. At this time, the clinical significance of this variant is uncertain due to the absence of conclusive functional and genetic evidence.